The following is an entry in ClinVar:

ClinVar aggregate classification (germline): Likely benign (1 of 4 stars; one submission).

Conditions:
Breast-ovarian cancer, familial, susceptibility to, 3. Also called: RAD51C-Related Breast/Ovarian Cancer. Identifiers: Orphanet 145, MedGen C3150659, MONDO:0013253, OMIM 613399.

Submission:

Myriad Genetics, Inc.
Classification: Likely benign for Breast-ovarian cancer, familial, susceptibility to, 3. Last evaluated: 2025-02-18. Review status: criteria provided, single submitter. Criteria: Myriad Autosomal Dominant, Autosomal Recessive and X-Linked Classification Criteria (2023). Collection method: clinical testing. Allele origin: unknown.
Comment: This variant is considered likely benign. This variant is intronic and is not expected to impact mRNA splicing.

NM_058216.3(RAD51C):c.706-3T>C

Gene: RAD51C (RAD51 paralog C; plus strand). Cytogenetic location: 17q22.
Variant type: single nucleotide variant.
Coding change: c.706-3T>C on transcript NM_058216.3 (MANE Select); 3 bases into the intron before coding-DNA position 706, T replaced by C.
Molecular consequence: intron variant.
Genome position (GRCh38, 1-based): chr17:58,709,856, T>C. VCF-style: chr17-58709856-T-C. GRCh37 (hg19) VCF-style: chr17-56787217-T-C.
Identifiers: ClinVar variation 3903490 (VCV003903490.1).